The following is an entry in ClinVar:

ClinVar aggregate classification (germline): Uncertain significance (1 of 4 stars; one submission).

gnomAD v4.1: 2 of 1,613,204 alleles (0.00012%); highest among the groups gnomAD compares: Non-Finnish European, 0.00017%; no homozygotes.

Submission:

CeGaT Center for Human Genetics Tuebingen
Classification: Uncertain significance. Last evaluated: 2026-04-01. Review status: criteria provided, single submitter. Criteria: CeGaT Center For Human Genetics Tuebingen Variant Classification Criteria Version 2. Collection method: clinical testing. Allele origin: germline. Affected: yes. Observed: 1 variant allele.
Comment: SCN9A: PM2

NM_001365536.1(SCN9A):c.183C>A (p.Phe61Leu)

Gene: SCN9A (sodium voltage-gated channel alpha subunit 9; minus strand). Cytogenetic location: 2q24.3.
Variant type: single nucleotide variant.
Coding change: c.183C>A on transcript NM_001365536.1 (MANE Select); coding-DNA position 183, C replaced by A.
Protein change: p.Phe61Leu; replaces phenylalanine 61 with leucine.
Molecular consequence: missense variant.
Genome position (GRCh38, 1-based): chr2:166,311,574, G>T on the plus strand (C>A on the coding strand, the complement: SCN9A is on the minus strand). VCF-style: chr2-166311574-G-T. GRCh37 (hg19) VCF-style: chr2-167168084-G-T.
Other names: c.183C>A, p.Phe61Leu (NM_002977.4); short protein forms F61L.
Identifiers: ClinVar variation 4874612 (VCV004874612.2).